The following is an entry in ClinVar:

ClinVar aggregate classification (germline): Uncertain significance. Review status: criteria provided, multiple submitters, no conflicts (2 of 4 stars). 2 submissions from 2 submitters: Uncertain significance (2). Last evaluated 2024-10-14.

Conditions:
Inborn genetic diseases. Identifiers: MedGen C0950123, MeSH D030342.
Kleefstra syndrome 1 (KLEFS1). Identifiers: Orphanet 261494, MedGen C0795833, MONDO:0027407, OMIM 610253.

Allele frequency attached by ClinVar (database versions not stated): gnomAD exomes below 0.00001; gnomAD 0.00001.
gnomAD v4.1: 5 of 1,613,966 alleles (0.00031%); highest among the groups gnomAD compares: Non-Finnish European, 0.00042%; no homozygotes.

Submissions (2):

Labcorp Genetics (formerly Invitae), Labcorp
Classification: Uncertain significance for Kleefstra syndrome 1. Last evaluated: 2024-10-14. Review status: criteria provided, single submitter. Criteria: Invitae Variant Classification Sherloc (09022015). Collection method: clinical testing. Allele origin: germline.
Comment: This sequence change replaces phenylalanine, which is neutral and non-polar, with cysteine, which is neutral and slightly polar, at codon 370 of the EHMT1 protein (p.Phe370Cys). This variant is present in population databases (no rsID available, gnomAD 0.0009%). This variant has not been reported in the literature in individuals affected with EHMT1-related conditions. ClinVar contains an entry for this variant (Variation ID: 2371751). An algorithm developed to predict the effect of missense changes on protein structure and function (PolyPhen-2) suggests that this variant is likely to be tolerated. In summary, the available evidence is currently insufficient to determine the role of this variant in disease. Therefore, it has been classified as a Variant of Uncertain Significance.

Ambry Genetics
Classification: Uncertain significance for Inborn genetic diseases. Last evaluated: 2021-12-03. Review status: criteria provided, single submitter. Criteria: Ambry Variant Classification Scheme 2023. Collection method: clinical testing. Allele origin: germline.

NM_024757.5(EHMT1):c.1109T>G (p.Phe370Cys)

Gene: EHMT1 (euchromatic histone lysine methyltransferase 1; plus strand). Cytogenetic location: 9q34.3.
Variant type: single nucleotide variant.
Coding change: c.1109T>G on transcript NM_024757.5 (MANE Select); coding-DNA position 1109, T replaced by G.
Protein change: p.Phe370Cys; replaces phenylalanine 370 with cysteine.
Molecular consequence: missense variant.
Genome position (GRCh38, 1-based): chr9:137,744,029, T>G. VCF-style: chr9-137744029-T-G. GRCh37 (hg19) VCF-style: chr9-140638481-T-G.
Other names: c.1109T>G, p.Phe370Cys (NM_001145527.2, NM_001354611.2); c.1016T>G, p.Phe339Cys (NM_001354259.2, NM_001354612.2); c.1088T>G, p.Phe363Cys (NM_001354263.2); short protein forms F370C, F339C, F363C.
Identifiers: ClinVar variation 2371751 (VCV002371751.5), dbSNP rs1223920259, ClinGen allele CA375779706.
Genomic context (GRCh38, chr9:137,744,029, plus strand): 5'-AGGACGACTCAGAGGAGCTCGAGGAGGACGACGGCCATGGTGCAGAGCAGGCGGCCGCGT[T>G]CCCCACAGAGGACAGCAGGACTTCCAAGGAGAGCATGTCGGAGGCTGATCGCGCCCAGAA-3'
Protein context (NP_079033.4, residues 360-380): DGHGAEQAAA[Phe370Cys]PTEDSRTSKE